The following is an entry in ClinVar:

NM_153704.6(TMEM67):c.1575+565G>C

Gene: TMEM67 (transmembrane protein 67; plus strand). Cytogenetic location: 8q22.1.
Variant type: single nucleotide variant.
Coding change: c.1575+565G>C on transcript NM_153704.6 (MANE Select); 565 bases into the intron after coding-DNA position 1575, G replaced by C.
Molecular consequence: intron variant.
Genome position (GRCh38, 1-based): chr8:93,791,884, G>C. VCF-style: chr8-93791884-G-C. GRCh37 (hg19) VCF-style: chr8-94804112-G-C.
Other names: c.1332+565G>C (NM_001142301.1).
Identifiers: ClinVar variation 4681529 (VCV004681529.5).

ClinVar aggregate classification (germline): Likely benign (1 of 4 stars; one submission).

Submission:

CeGaT Center for Human Genetics Tuebingen
Classification: Likely benign. Last evaluated: 2025-12-01. Review status: criteria provided, single submitter. Criteria: CeGaT Center For Human Genetics Tuebingen Variant Classification Criteria Version 2. Collection method: clinical testing. Allele origin: germline. Affected: yes. Observed: 1 variant allele.
Comment: TMEM67: PM2:Supporting, BP4, BP7